The following is an entry in ClinVar:

NM_017802.4(DNAAF5):c.1598C>T (p.Thr533Ile)

Gene: DNAAF5 (dynein axonemal assembly factor 5; plus strand). Cytogenetic location: 7p22.3.
Variant type: single nucleotide variant.
Coding change: c.1598C>T on transcript NM_017802.4 (MANE Select); coding-DNA position 1598, C replaced by T.
Protein change: p.Thr533Ile; replaces threonine 533 with isoleucine.
Molecular consequence: missense variant. On other transcripts: non-coding transcript variant (1).
Genome position (GRCh38, 1-based): chr7:761,880, C>T. VCF-style: chr7-761880-C-T. GRCh37 (hg19) VCF-style: chr7-801517-C-T.
Other names: short protein forms T533I.
Identifiers: ClinVar variation 837751 (VCV000837751.9), dbSNP rs775678178, ClinGen allele CA4110793.

ClinVar aggregate classification (germline): Uncertain significance. Review status: criteria provided, multiple submitters, no conflicts (2 of 4 stars). 2 submissions from 2 submitters: Uncertain significance (2). Last evaluated 2025-03-06.

Conditions:
Primary ciliary dyskinesia. Also called: Ciliary dyskinesia. Identifiers: Orphanet 244, MedGen C0008780, MONDO:0016575, HP:0012265.

Allele frequency attached by ClinVar (database versions not stated): gnomAD 0.00005 and 0.00006; TOPMed 0.00005.
gnomAD v4.1: 14 of 1,576,954 alleles (0.00089%); highest among the groups gnomAD compares: African/African-American, 0.018%; no homozygotes.

Submissions (2):

Ambry Genetics
Classification: Uncertain significance for Primary ciliary dyskinesia. Last evaluated: 2025-03-06. Review status: criteria provided, single submitter. Criteria: Ambry Variant Classification Scheme 2023. Collection method: clinical testing. Allele origin: germline.

Labcorp Genetics (formerly Invitae), Labcorp
Classification: Uncertain significance for Primary ciliary dyskinesia. Last evaluated: 2019-11-30. Review status: criteria provided, single submitter. Criteria: Invitae Variant Classification Sherloc (09022015). Collection method: clinical testing. Allele origin: germline.
Comment: In summary, the available evidence is currently insufficient to determine the role of this variant in disease. Therefore, it has been classified as a Variant of Uncertain Significance. Algorithms developed to predict the effect of missense changes on protein structure and function (SIFT, PolyPhen-2, Align-GVGD) all suggest that this variant is likely to be tolerated, but these predictions have not been confirmed by published functional studies and their clinical significance is uncertain. This variant has not been reported in the literature in individuals with DNAAF5-related conditions. The frequency data for this variant in the population databases is considered unreliable, as metrics indicate poor data quality at this position in the ExAC database. This sequence change replaces threonine with isoleucine at codon 533 of the DNAAF5 protein (p.Thr533Ile). The threonine residue is weakly conserved and there is a moderate physicochemical difference between threonine and isoleucine.